The following is an entry in ClinVar:

ClinVar aggregate classification (germline): Uncertain significance (1 of 4 stars; one submission).

Submission:

Labcorp Genetics (formerly Invitae), Labcorp
Classification: Uncertain significance. Last evaluated: 2023-11-28. Review status: criteria provided, single submitter. Criteria: Invitae Variant Classification Sherloc (09022015). Collection method: clinical testing. Allele origin: germline.
Comment: This variant results in a copy number gain of the genomic region encompassing exon(s) 2-44 of the SI gene. This region includes the initiator codon of the gene. This copy number gain extends beyond the assayed region for this gene and therefore may encompass additional genes. As the precise location of this event is unknown, it may be in tandem or it may be located elsewhere in the genome. This variant has not been reported in the literature in individuals affected with SI-related conditions. In summary, the available evidence is currently insufficient to determine the role of this variant in disease. Therefore, it has been classified as a Variant of Uncertain Significance.

NC_000003.11:g.(?_164709121)_(164793800_?)dup

Gene: SI (sucrase-isomaltase; minus strand). Cytogenetic location: 3q26.1.
Variant type: Duplication.
Identifiers: ClinVar variation 2423560 (VCV002423560.4).